The following is an entry in ClinVar:

NM_007194.4(CHEK2):c.89G>A (p.Gly30Asp)

Gene: CHEK2 (checkpoint kinase 2; minus strand). Cytogenetic location: 22q12.1.
Variant type: single nucleotide variant.
Coding change: c.89G>A on transcript NM_007194.4 (MANE Select); coding-DNA position 89, G replaced by A.
Protein change: p.Gly30Asp; replaces glycine 30 with aspartic acid.
Molecular consequence: missense variant.
Genome position (GRCh38, 1-based): chr22:28,734,633, C>T on the plus strand (G>A on the coding strand, the complement: CHEK2 is on the minus strand). VCF-style: chr22-28734633-C-T. GRCh37 (hg19) VCF-style: chr22-29130621-C-T.
Other names: c.89G>A, p.Gly30Asp (NM_001005735.3, NM_001349956.3, NM_145862.3); c.-689G>A (NM_001257387.3); short protein forms G30D.
Identifiers: ClinVar variation 822883 (VCV000822883.5), dbSNP rs112032663, ClinGen allele CA322998843.

ClinVar aggregate classification (germline): Uncertain significance (1 of 4 stars; one submission).

Conditions:
Hereditary cancer-predisposing syndrome. Also called: Tumor predisposition; Hereditary Cancer Syndrome; Neoplastic Syndromes, Hereditary; Hereditary neoplastic syndrome. Identifiers: Orphanet 140162, MedGen C0027672, MeSH D009386, MONDO:0015356.

Submission:

Ambry Genetics
Classification: Uncertain significance for Hereditary cancer-predisposing syndrome. Last evaluated: 2024-11-11. Review status: criteria provided, single submitter. Criteria: Ambry Variant Classification Scheme 2023. Collection method: clinical testing. Allele origin: germline.
Comment: The p.G30D variant (also known as c.89G>A), located in coding exon 1 of the CHEK2 gene, results from a G to A substitution at nucleotide position 89. The glycine at codon 30 is replaced by aspartic acid, an amino acid with similar properties. This amino acid position is well conserved in available vertebrate species. In addition, the in silico prediction for this alteration is inconclusive. Based on the available evidence, the clinical significance of this variant remains unclear.